The following is an entry in ClinVar:

ClinVar aggregate classification (germline): Pathogenic (1 of 4 stars; one submission).

Conditions:
Hereditary cancer-predisposing syndrome. Also called: Hereditary Cancer Syndrome; Hereditary neoplastic syndrome; Tumor predisposition; Neoplastic Syndromes, Hereditary. Identifiers: Orphanet 140162, MedGen C0027672, MeSH D009386, MONDO:0015356.
Cardiovascular phenotype. Identifiers: MedGen CN230736.

Submission:

Ambry Genetics
Classification: Pathogenic for Cardiovascular phenotype; Hereditary cancer-predisposing syndrome. Last evaluated: 2024-12-05. Review status: criteria provided, single submitter. Criteria: Ambry Variant Classification Scheme 2023. Collection method: clinical testing. Allele origin: germline.
Comment: The c.636_638delCACinsT pathogenic mutation, located in coding exon 7 of the LZTR1 gene, results from the deletion of 3 nucleotides and insertion of one nucleotide causing a translational frameshift with a predicted alternate stop codon (p.T213Lfs*46). This variant is considered to be rare based on population cohorts in the Genome Aggregation Database (gnomAD). This alteration is expected to result in loss of function by premature protein truncation or nonsense-mediated mRNA decay. Loss-of-function variants in LZTR1 are related to an increased risk for schwannomas and autosomal recessive Noonan syndrome; however, such associations with autosomal dominant Noonan syndrome have not been observed (Piotrowski A et al. Nat Genet. 2014 Feb;46:182-7; Yamamoto GL et al. J Med Genet. 2015 Jun;52:413-21; Johnston JJ et al. Genet Med. 2018 10;20:1175-1185). Based on the supporting evidence, this variant is pathogenic for an increased risk of LZTR1-related schwannomatosis (SWN) and would be expected to cause autosomal recessive Noonan syndrome when present along with a second pathogenic or likely pathogenic variant on the other allele; however, the association of this alteration with autosomal dominant Noonan syndrome is unlikely.

NM_006767.4(LZTR1):c.636_638delinsT (p.Thr213fs)

Gene: LZTR1 (leucine zipper like post translational regulator 1; plus strand). Cytogenetic location: 22q11.21.
Variant type: Indel.
Coding change: c.636_638delinsT on transcript NM_006767.4 (MANE Select); coding-DNA positions 636 to 638, CAC replaced by T.
Protein change: p.Thr213fs; shifts the reading frame from threonine 213.
Molecular consequence: frameshift variant.
Genome position (GRCh38, 1-based): chr22:20,989,667-20,989,669, CAC replaced by T. VCF-style: chr22-20989667-CAC-T. GRCh37 (hg19) VCF-style: chr22-21343956-CAC-T.
Other names: short protein forms T213fs.
Identifiers: ClinVar variation 3541709 (VCV003541709.1).